The following is an entry in ClinVar:

ClinVar aggregate classification (germline): Benign/Likely benign. Review status: criteria provided, multiple submitters, no conflicts (2 of 4 stars). 6 submissions from 6 submitters: Benign (3); Likely benign (3). Last evaluated 2024-11-27.

Conditions:
Primary ciliary dyskinesia 13. Also called: CILIARY DYSKINESIA, PRIMARY, 13, WITH OR WITHOUT SITUS INVERSUS. Identifiers: Orphanet 244, MedGen C2750790, MONDO:0013174, OMIM 613193.

Allele frequency attached by ClinVar (database versions not stated): 1000 Genomes Project 30x 0.02436; 1000 Genomes Project 0.02576; gnomAD 0.03089 and 0.03108; TOPMed 0.03102; ESP Exome Variant Server 0.03200; ExAC 0.03294; gnomAD exomes 0.03407.
gnomAD v4.1: 60,369 of 1,586,902 alleles (3.8%); highest among the groups gnomAD compares: Admixed American, 4.6%; 1,318 homozygotes.

Submissions (6):

Blueprint Genetics
Classification: Likely benign. Last evaluated: 2024-11-27. Review status: criteria provided, single submitter. Criteria: ACMG Guidelines, 2015. Collection method: clinical testing. Allele origin: germline.

ARUP Laboratories, Molecular Genetics and Genomics, ARUP Laboratories
Classification: Benign. Last evaluated: 2023-11-22. Review status: criteria provided, single submitter. Criteria: ARUP Molecular Germline Variant Investigation Process 2024. Collection method: clinical testing. Allele origin: germline.

GeneDx
Classification: Likely benign. Last evaluated: 2019-04-24. Review status: criteria provided, single submitter. Criteria: GeneDx Variant Classification Process June 2021. Collection method: clinical testing. Allele origin: germline. Affected: yes.
Comment: This variant is associated with the following publications: (PMID: 31213628)

Illumina Laboratory Services, Illumina
Classification: Benign for Primary ciliary dyskinesia 13. Last evaluated: 2018-01-12. Review status: criteria provided, single submitter. Criteria: ICSL Variant Classification Criteria 13 December 2019. Collection method: clinical testing. Allele origin: germline.
Comment: This variant was observed in the ICSL laboratory as part of a predisposition screen in an ostensibly healthy population. It had not been previously curated by ICSL or reported in the Human Gene Mutation Database (HGMD: prior to June 1st, 2018), and was therefore a candidate for classification through an automated scoring system. Utilizing variant allele frequency, disease prevalence and penetrance estimates, and inheritance mode, an automated score was calculated to assess if this variant is too frequent to cause the disease. Based on the score and internal cut-off values, a variant classified as benign is not then subjected to further curation. The score for this variant resulted in a classification of benign for this disease.

Breakthrough Genomics
Classification: Likely benign. Review status: criteria provided, single submitter. Criteria: ACMG Guidelines, 2015. Collection method: not provided. Allele origin: germline. Inheritance: Autosomal recessive inheritance. Affected: yes.

PreventionGenetics, part of Exact Sciences
Classification: Benign. Review status: criteria provided, single submitter. Criteria: ACMG Guidelines, 2015. Collection method: clinical testing. Allele origin: germline.

NM_178452.6(DNAAF1):c.*18T>C

Genes: DNAAF1 (dynein axonemal assembly factor 1; plus strand), TAF1C (TATA-box binding protein associated factor, RNA polymerase I subunit C; minus strand). Cytogenetic location: 16q24.1.
Variant type: single nucleotide variant.
Coding change: c.*18T>C on transcript NM_178452.6 (MANE Select); 18 bases downstream of the stop codon, T replaced by C.
Molecular consequence: 3 prime UTR variant.
Genome position (GRCh38, 1-based): chr16:84,177,859, T>C. VCF-style: chr16-84177859-T-C. GRCh37 (hg19) VCF-style: chr16-84211465-T-C.
Other names: c.*18T>C (NM_001318756.1); c.*1082A>G (NM_001243156.2, NM_001243157.2, NM_001243158.2 and 4 more transcripts).
Identifiers: ClinVar variation 262932 (VCV000262932.12), dbSNP rs2288024, ClinGen allele CA8203194.